The following is an entry in ClinVar:

NM_002224.4(ITPR3):c.6705C>T (p.Asp2235=)

Gene: ITPR3 (inositol 1,4,5-trisphosphate receptor type 3; plus strand). Cytogenetic location: 6p21.31.
Variant type: single nucleotide variant.
Coding change: c.6705C>T on transcript NM_002224.4 (MANE Select); coding-DNA position 6705, C replaced by T.
Protein change: p.Asp2235=; no amino-acid change (aspartic acid 2235 retained).
Molecular consequence: synonymous variant.
Genome position (GRCh38, 1-based): chr6:33,689,248, C>T. VCF-style: chr6-33689248-C-T. GRCh37 (hg19) VCF-style: chr6-33657025-C-T.
Identifiers: ClinVar variation 5041324 (VCV005041324.1).

ClinVar aggregate classification (germline): Likely benign (1 of 4 stars; one submission).

Submission:

CeGaT Center for Human Genetics Tuebingen
Classification: Likely benign. Last evaluated: 2026-09-01. Review status: criteria provided, single submitter. Criteria: CeGaT Center For Human Genetics Tuebingen Variant Classification Criteria Version 2. Collection method: clinical testing. Allele origin: germline. Affected: yes. Observed: 1 variant allele.
Comment: ITPR3: PM2:Supporting, BP4, BP7